The following is an entry in ClinVar:

ClinVar aggregate classification (germline): Conflicting classifications of pathogenicity. Review status: criteria provided, conflicting classifications (1 of 4 stars). 4 submissions from 4 submitters: Uncertain significance (1); Likely benign (2). 1 of the submissions does not count toward it. Last evaluated 2024-02-06.

Conditions:
ATP8B1-related disorder. Also called: ATP8B1-related disorders; ATP8B1-related condition.
Progressive familial intrahepatic cholestasis type 1. Also called: Severe ATP8B1 Deficiency (Progressive Familial Intrahepatic Cholestasis Type 1 [PFIC1]); Byler's disease; BYLER DISEASE. Identifiers: Orphanet 79306, MedGen C4551898, MONDO:0008892, OMIM 211600.

Allele frequency attached by ClinVar (database versions not stated): gnomAD exomes 0.00002; ExAC 0.00003; gnomAD 0.00003; TOPMed 0.00003.
gnomAD v4.1: 36 of 1,611,456 alleles (0.0022%); highest among the groups gnomAD compares: Middle Eastern, 0.022%; no homozygotes.

Submissions (4):

Labcorp Genetics (formerly Invitae), Labcorp
Classification: Likely benign. Last evaluated: 2024-02-06. Review status: criteria provided, single submitter. Criteria: Invitae Variant Classification Sherloc (09022015). Collection method: clinical testing. Allele origin: germline.

Illumina Laboratory Services, Illumina
Classification: Uncertain significance for Progressive familial intrahepatic cholestasis type 1. Last evaluated: 2018-01-13. Review status: criteria provided, single submitter. Criteria: ICSL Variant Classification Criteria 13 December 2019. Collection method: clinical testing. Allele origin: germline.

GeneDx
Classification: Likely benign. Last evaluated: 2016-08-04. Review status: criteria provided, single submitter. Criteria: GeneDx Variant Classification (06012015). Collection method: clinical testing. Allele origin: germline. Affected: yes.
Comment: This variant is considered likely benign or benign based on one or more of the following criteria: it is a conservative change, it occurs at a poorly conserved position in the protein, it is predicted to be benign by multiple in silico algorithms, and/or has population frequency not consistent with disease.

PreventionGenetics, part of Exact Sciences
Classification: Likely benign for ATP8B1-related condition. Last evaluated: 2022-01-17. Review status: no assertion criteria provided. Collection method: clinical testing. Allele origin: germline. Not counted in ClinVar's aggregate classification.
Comment: This variant is classified as likely benign based on ACMG/AMP sequence variant interpretation guidelines (Richards et al. 2015 PMID: 25741868, with internal and published modifications).

NM_001374385.1(ATP8B1):c.3696G>A (p.Ser1232=)

Genes: ATP8B1 (ATPase phospholipid transporting 8B1; minus strand), ATP8B1-AS1 (ATP8B1 antisense RNA 1; plus strand). Cytogenetic location: 18q21.31.
Variant type: single nucleotide variant.
Coding change: c.3696G>A on transcript NM_001374385.1 (MANE Select); coding-DNA position 3696, G replaced by A.
Protein change: p.Ser1232=; no amino-acid change (serine 1232 retained).
Molecular consequence: synonymous variant.
Genome position (GRCh38, 1-based): chr18:57,648,548, C>T on the plus strand (G>A on the coding strand, the complement: ATP8B1 is on the minus strand). VCF-style: chr18-57648548-C-T. GRCh37 (hg19) VCF-style: chr18-55315780-C-T.
Other names: c.3546G>A, p.Ser1182= (NM_001374386.1); c.3696G>A, p.Ser1232= (NM_005603.6).
Identifiers: ClinVar variation 327466 (VCV000327466.10), dbSNP rs754912569, ClinGen allele CA8973931.